The following is an entry in ClinVar:

NM_003331.5(TYK2):c.211T>C (p.Phe71Leu)

Gene: TYK2 (tyrosine kinase 2; minus strand). Cytogenetic location: 19p13.2.
Variant type: single nucleotide variant.
Coding change: c.211T>C on transcript NM_003331.5 (MANE Select); coding-DNA position 211, T replaced by C.
Protein change: p.Phe71Leu; replaces phenylalanine 71 with leucine.
Molecular consequence: missense variant.
Genome position (GRCh38, 1-based): chr19:10,368,401, A>G on the plus strand (T>C on the coding strand, the complement: TYK2 is on the minus strand). VCF-style: chr19-10368401-A-G. GRCh37 (hg19) VCF-style: chr19-10479077-A-G.
Other names: c.211T>C (LRG_121t1); short protein forms F71L.
Identifiers: ClinVar variation 536646 (VCV000536646.11), dbSNP rs374071090, ClinGen allele CA9193811.

ClinVar aggregate classification (germline): Conflicting classifications of pathogenicity. Review status: criteria provided, conflicting classifications (1 of 4 stars). 3 submissions from 3 submitters: Uncertain significance (2); Likely benign (1). Last evaluated 2025-02-03.

Conditions:
Immunodeficiency 35 (IMD35). Also called: TYK2 DEFICIENCY; HIES WITH ATYPICAL MYCOBACTERIOSIS, AUTOSOMAL RECESSIVE; HYPER-IgE SYNDROME WITH ATYPICAL MYCOBACTERIOSIS, AUTOSOMAL RECESSIVE; Susceptibility to infection due to TYK2 deficiency. Identifiers: Orphanet 331226, MedGen C1969086, MONDO:0012682, OMIM 611521.

Allele frequency attached by ClinVar (database versions not stated): ExAC 0.00006; gnomAD exomes 0.00007; ESP Exome Variant Server 0.00008; TOPMed 0.00014; gnomAD 0.00017 and 0.00019.
gnomAD v4.1: 282 of 1,614,008 alleles (0.017%); highest among the groups gnomAD compares: Non-Finnish European, 0.022%; 1 homozygote.

Submissions (3):

Labcorp Genetics (formerly Invitae), Labcorp
Classification: Uncertain significance for Immunodeficiency 35. Last evaluated: 2025-02-03. Review status: criteria provided, single submitter. Criteria: Invitae Variant Classification Sherloc (09022015). Collection method: clinical testing. Allele origin: germline.
Comment: This sequence change replaces phenylalanine, which is neutral and non-polar, with leucine, which is neutral and non-polar, at codon 71 of the TYK2 protein (p.Phe71Leu). This variant is present in population databases (rs374071090, gnomAD 0.01%). This variant has not been reported in the literature in individuals affected with TYK2-related conditions. ClinVar contains an entry for this variant (Variation ID: 536646). An algorithm developed to predict the effect of missense changes on protein structure and function outputs the following: PolyPhen-2: "Benign". The leucine amino acid residue is found in multiple mammalian species, which suggests that this missense change does not adversely affect protein function. In summary, the available evidence is currently insufficient to determine the role of this variant in disease. Therefore, it has been classified as a Variant of Uncertain Significance.

Blueprint Genetics
Classification: Likely benign. Last evaluated: 2024-03-05. Review status: criteria provided, single submitter. Criteria: ACMG Guidelines, 2015. Collection method: clinical testing. Allele origin: germline.

Illumina Laboratory Services, Illumina
Classification: Uncertain significance for Immunodeficiency 35. Last evaluated: 2017-04-27. Review status: criteria provided, single submitter. Criteria: ICSL Variant Classification Criteria 13 December 2019. Collection method: clinical testing. Allele origin: germline.
Comment: This variant was observed as part of a predisposition screen in an ostensibly healthy population. A literature search was performed for the gene, cDNA change, and amino acid change (where applicable). Publications were found based on this search. However, the evidence from the literature, in combination with allele frequency data from public databases where available, was not sufficient to rule this variant in or out of causing disease. Therefore, this variant is classified as a variant of unknown significance.

Literature cited by the submitters: PubMed 21680795 (cited by Illumina Laboratory Services, Illumina); PubMed 17088085 (cited by Illumina Laboratory Services, Illumina).